The following is an entry in ClinVar:

NM_005477.3(HCN4):c.2567C>T (p.Ser856Phe)

Gene: HCN4 (hyperpolarization activated cyclic nucleotide gated potassium channel 4; minus strand). Cytogenetic location: 15q24.1.
Variant type: single nucleotide variant.
Coding change: c.2567C>T on transcript NM_005477.3 (MANE Select); coding-DNA position 2567, C replaced by T.
Protein change: p.Ser856Phe; replaces serine 856 with phenylalanine.
Molecular consequence: missense variant.
Genome position (GRCh38, 1-based): chr15:73,323,526, G>A on the plus strand (C>T on the coding strand, the complement: HCN4 is on the minus strand). VCF-style: chr15-73323526-G-A. GRCh37 (hg19) VCF-style: chr15-73615867-G-A.
Other names: short protein forms S856F.
Identifiers: ClinVar variation 2840733 (VCV002840733.3), dbSNP rs2549068853, ClinGen allele CA393088643.

ClinVar aggregate classification (germline): Uncertain significance (1 of 4 stars; one submission).

Conditions:
Brugada syndrome 8 (BRGDA8). Identifiers: Orphanet 130, MedGen C2751083, MONDO:0013148, OMIM 613123.

Allele frequency attached by ClinVar (database versions not stated): gnomAD exomes below 0.00001.
gnomAD v4.1: 1 of 1,601,372 alleles (0.000062%); highest among the groups gnomAD compares: South Asian, 0.0011%; no homozygotes.

Submission:

Labcorp Genetics (formerly Invitae), Labcorp
Classification: Uncertain significance for Brugada syndrome 8. Last evaluated: 2024-04-29. Review status: criteria provided, single submitter. Criteria: Invitae Variant Classification Sherloc (09022015). Collection method: clinical testing. Allele origin: germline.
Comment: This sequence change replaces serine, which is neutral and polar, with phenylalanine, which is neutral and non-polar, at codon 856 of the HCN4 protein (p.Ser856Phe). This variant is not present in population databases (gnomAD no frequency). This variant has not been reported in the literature in individuals affected with HCN4-related conditions. Advanced modeling of protein sequence and biophysical properties (such as structural, functional, and spatial information, amino acid conservation, physicochemical variation, residue mobility, and thermodynamic stability) performed at Invitae indicates that this missense variant is not expected to disrupt HCN4 protein function with a negative predictive value of 95%. In summary, the available evidence is currently insufficient to determine the role of this variant in disease. Therefore, it has been classified as a Variant of Uncertain Significance.